The following is an entry in ClinVar:

NM_002253.4(KDR):c.895C>T (p.Arg299Trp)

Gene: KDR (kinase insert domain receptor; minus strand). Cytogenetic location: 4q12.
Variant type: single nucleotide variant.
Coding change: c.895C>T on transcript NM_002253.4 (MANE Select); coding-DNA position 895, C replaced by T.
Protein change: p.Arg299Trp; replaces arginine 299 with tryptophan.
Molecular consequence: missense variant.
Genome position (GRCh38, 1-based): chr4:55,113,385, G>A on the plus strand (C>T on the coding strand, the complement: KDR is on the minus strand). VCF-style: chr4-55113385-G-A. GRCh37 (hg19) VCF-style: chr4-55979552-G-A.
Other names: short protein forms R299W.
Identifiers: ClinVar variation 134615 (VCV000134615.1), dbSNP rs368062574, ClinGen allele CA160335.

ClinVar aggregate classification (germline): not provided (0 of 4 stars; one submission).

Allele frequency attached by ClinVar (database versions not stated): gnomAD 0.00005; gnomAD exomes 0.00005 and 0.00010; TOPMed 0.00006; ExAC 0.00009; ESP Exome Variant Server 0.00015.
gnomAD v4.1: 87 of 1,613,940 alleles (0.0054%); highest among the groups gnomAD compares: Admixed American, 0.038%; 1 homozygote.

Submission:

ITMI
No classification provided. Condition: AllHighlyPenetrant. Last evaluated: 2013-09-19. Review status: no classification provided. Collection method: reference population. Allele origin: germline.
Comment: Please see associated publication for description of ethnicities

Literature cited by the submitters: PubMed 24728327.